The following is an entry in ClinVar:

ClinVar aggregate classification (germline): Uncertain significance. Review status: criteria provided, single submitter (1 of 4 stars). 2 submissions from 2 submitters: Uncertain significance (1). 1 of the submissions does not count toward it. Last evaluated 2023-12-23.

Conditions:
CEP290-related disorder. Also called: CEP290-related disorders; CEP290-related condition. Identifiers: MedGen CN239314.
Leber congenital amaurosis 10 (LCA10). Identifiers: Orphanet 65, MedGen C1857821, MONDO:0012723, OMIM 611755.
Joubert syndrome 5 (JBTS5). Identifiers: Orphanet 2318, MedGen C1857780, MONDO:0012432, OMIM 610188.
Bardet-Biedl syndrome 14 (BBS14). Identifiers: Orphanet 110, MedGen C2673874, MONDO:0014442, OMIM 615991.
Meckel syndrome, type 4 (MKS4). Also called: MECKEL-GRUBER SYNDROME, TYPE 4. Identifiers: Orphanet 564, MedGen C1970161, MONDO:0012626, OMIM 611134.
Senior-Loken syndrome 6 (SLSN6). Identifiers: Orphanet 3156, MedGen C1857779, MONDO:0012433, OMIM 610189.

Submissions (2):

Fulgent Genetics
Classification: Uncertain significance for Joubert syndrome 5; Senior-Loken syndrome 6; Meckel syndrome, type 4; Leber congenital amaurosis 10; Bardet-Biedl syndrome 14. Last evaluated: 2023-12-23. Review status: criteria provided, single submitter. Criteria: ACMG Guidelines, 2015. Collection method: clinical testing. Allele origin: germline.

PreventionGenetics, part of Exact Sciences
Classification: Uncertain significance for CEP290-related condition. Last evaluated: 2024-03-07. Review status: no assertion criteria provided. Collection method: clinical testing. Allele origin: germline. Not counted in ClinVar's aggregate classification.
Comment: The CEP290 c.2112_2120del9 variant is predicted to result in an in-frame deletion (p.Val705_Gln707del). To our knowledge, this variant has not been reported in the literature or in a large population database, indicating this variant is rare. At this time, the clinical significance of this variant is uncertain due to the absence of conclusive functional and genetic evidence.

NM_025114.4(CEP290):c.2112_2120del (p.Val705_Gln707del)

Gene: CEP290 (centrosomal protein 290; minus strand). Cytogenetic location: 12q21.32.
Variant type: Deletion.
Coding change: c.2112_2120del on transcript NM_025114.4 (MANE Select); coding-DNA positions 2112 to 2120, 9 bases deleted (AGTTGATCA; older notation c.2112_2120delAGTTGATCA).
Protein change: p.Val705_Gln707del.
Molecular consequence: inframe deletion.
Genome position (GRCh38, 1-based): chr12:88,111,791-88,111,799, TGATCAACT deleted on the plus strand (AGTTGATCA on the coding strand, the reverse complement: CEP290 is on the minus strand); deleting any 9 consecutive bases within chr12:88,111,791-88,111,801 gives the same sequence; the c. name uses the placement nearest the transcript's 3' end. VCF-style (leftmost placement, unchanged base first): chr12-88111790-CTGATCAACT-C. GRCh37 (hg19) VCF-style: chr12-88505567-CTGATCAACT-C.
Identifiers: ClinVar variation 3349994 (VCV003349994.2).